The following is an entry in ClinVar:

ClinVar aggregate classification (germline): Likely benign. Review status: criteria provided, multiple submitters, no conflicts (2 of 4 stars). 2 submissions from 2 submitters: Likely benign (2). Last evaluated 2026-05-22.

Conditions:
Focal segmental glomerulosclerosis 5 (FSGS5). Identifiers: Orphanet 656, MedGen C2750475, MONDO:0013191, OMIM 613237.
Charcot-Marie-Tooth disease dominant intermediate E. Also called: CHARCOT-MARIE-TOOTH NEUROPATHY WITH FOCAL SEGMENTAL GLOMERULONEPHRITIS. Identifiers: Orphanet 93114, MedGen C4302667, MONDO:0013758, OMIM 614455.

Allele frequency attached by ClinVar (database versions not stated): TOPMed below 0.00001.

Submissions (2):

Women's Health and Genetics/Laboratory Corporation of America, LabCorp
Classification: Likely benign. Last evaluated: 2026-05-22. Review status: criteria provided, single submitter. Criteria: LabCorp Variant Classification Summary - May 2015. Collection method: clinical testing. Allele origin: germline.
Comment: Variant summary: INF2 c.508-17C>G alters a nucleotide located at a position not widely known to affect splicing. Consensus agreement among computation tools predict no significant impact on normal splicing. However, these predictions have yet to be confirmed by functional studies. The variant was absent in 248648 control chromosomes. The available data on variant occurrences in the general population are insufficient to allow any conclusion about variant significance. To our knowledge, no occurrence of c.508-17C>G in individuals affected with INF2-related conditions and no experimental evidence demonstrating its impact on protein function have been reported. ClinVar contains an entry for this variant (Variation ID: 2934137). Based on the evidence outlined above, the variant was classified as likely benign.

Labcorp Genetics (formerly Invitae), Labcorp
Classification: Likely benign for Charcot-Marie-Tooth disease dominant intermediate E; Focal segmental glomerulosclerosis 5. Last evaluated: 2023-06-23. Review status: criteria provided, single submitter. Criteria: Invitae Variant Classification Sherloc (09022015). Collection method: clinical testing. Allele origin: germline.

NM_022489.4(INF2):c.508-17C>G

Gene: INF2 (inverted formin 2; plus strand). Cytogenetic location: 14q32.33.
Variant type: single nucleotide variant.
Coding change: c.508-17C>G on transcript NM_022489.4 (MANE Select); 17 bases into the intron before coding-DNA position 508, C replaced by G.
Molecular consequence: intron variant.
Genome position (GRCh38, 1-based): chr14:104,703,278, C>G. VCF-style: chr14-104703278-C-G. GRCh37 (hg19) VCF-style: chr14-105169615-C-G.
Other names: c.508-17C>G (NM_001031714.4, NM_032714.3).
Identifiers: ClinVar variation 2934137 (VCV002934137.4), dbSNP rs1471964405, ClinGen allele CA2160925594.
Genomic context (GRCh38, chr14:104,703,278, plus strand): 5'-AAGGTGGGCGGCAGGGCCTGGGCCTGGGCACATGGGGCTCCCTGCCTGGGTGTGCCCTGA[C>G]CCCGCCCTCCCCACAGACGGTGTGCAGCCAGCAGTACCGCTTCAGCATTGTCATGAACGA-3'